The following is an entry in ClinVar:

NM_000277.3(PAH):c.134T>C (p.Val45Ala)

Gene: PAH (phenylalanine hydroxylase; minus strand). Cytogenetic location: 12q23.2.
Variant type: single nucleotide variant.
Coding change: c.134T>C on transcript NM_000277.3 (MANE Select); coding-DNA position 134, T replaced by C.
Protein change: p.Val45Ala; replaces valine 45 with alanine.
Molecular consequence: missense variant.
Genome position (GRCh38, 1-based): chr12:102,912,825, A>G on the plus strand (T>C on the coding strand, the complement: PAH is on the minus strand). VCF-style: chr12-102912825-A-G. GRCh37 (hg19) VCF-style: chr12-103306603-A-G.
Other names: c.134T>C, p.Val45Ala (NM_001354304.2); short protein forms V45A.
Identifiers: ClinVar variation 805809 (VCV000805809.1), dbSNP rs1592988883, ClinGen allele CA16020730.

ClinVar aggregate classification (germline): Uncertain significance (3 of 4 stars; one submission).

Conditions:
Phenylketonuria (PKU). Also called: FOLLING DISEASE; Phenylketonuria (PKU); OLIGOPHRENIA PHENYLPYRUVICA; Phenylketonurias. Identifiers: Orphanet 716, MedGen C0031485, MONDO:0009861, OMIM 261600. Disease mechanism: loss of function.

Allele frequency attached by ClinVar (database versions not stated): gnomAD exomes below 0.00001.
gnomAD v4.1: 2 of 1,613,510 alleles (0.00012%); highest among the groups gnomAD compares: Non-Finnish European, 0.00017%; no homozygotes.

Submission:

ClinGen PAH Variant Curation Expert Panel
Classification: Uncertain significance for Phenylketonuria. Last evaluated: 2019-04-04. Review status: reviewed by expert panel. Criteria: ClinGen PAH ACMG Specifications v1. Collection method: curation. Allele origin: germline. Inheritance: Autosomal recessive inheritance.
Comment: The c.134T>C (p.Val45Ala) PAH variant has been reported in a patient with mild hyperphenylalaninemia (PMID: 22513348). This variant is absent from 1000G, ESP, and gnomAD databases. It is a missense variant with conflicting predictions of pathogenicity: SIFT: Tolerated, PolyPhen: Benign, MutationTaster: Disease causing, REVEL=0.697. In summary, this variant meets criteria to be classified as uncertain significance for PAH. PAH-specific ACMG/AMP criteria applied: PM2, PP4.

Literature cited by the submitters: PubMed 22513348.